The following is an entry in ClinVar:

ClinVar aggregate classification (germline): Uncertain significance (1 of 4 stars; one submission).

Submission:

Labcorp Genetics (formerly Invitae), Labcorp
Classification: Uncertain significance. Last evaluated: 2022-06-19. Review status: criteria provided, single submitter. Criteria: Invitae Variant Classification Sherloc (09022015). Collection method: clinical testing. Allele origin: germline.
Comment: In summary, the available evidence is currently insufficient to determine the role of this variant in disease. Therefore, it has been classified as a Variant of Uncertain Significance. Experimental studies and prediction algorithms are not available or were not evaluated, and the functional significance of this variant is currently unknown. This variant has not been reported in the literature in individuals affected with GPR179-related conditions. This variant is not present in population databases (gnomAD no frequency). This sequence change creates a premature translational stop signal (p.Ser842Glnfs*81) in the GPR179 gene. While this is not anticipated to result in nonsense mediated decay, it is expected to disrupt the last 1526 amino acid(s) of the GPR179 protein.

NM_001004334.4(GPR179):c.2523dup (p.Ser842fs)

Gene: GPR179 (G protein-coupled receptor 179; minus strand). Cytogenetic location: 17q12.
Variant type: Duplication.
Coding change: c.2523dup on transcript NM_001004334.4 (MANE Select); coding-DNA position 2523, one base duplicated (C; older notation c.2523dupC).
Protein change: p.Ser842fs; shifts the reading frame from serine 842.
Molecular consequence: frameshift variant.
Genome position (GRCh38, 1-based): chr17:38,331,046, G duplicated on the plus strand (C on the coding strand, the reverse complement: GPR179 is on the minus strand). VCF-style (leftmost placement, unchanged base first): chr17-38331045-T-TG. GRCh37 (hg19) VCF-style: chr17-36486928-T-TG.
Other names: short protein forms S842fs.
Identifiers: ClinVar variation 2008242 (VCV002008242.4), dbSNP rs2512162584, ClinGen allele CA2580093645.
Genomic context (GRCh38, chr17:38,331,045, plus strand): 5'-TCTCCTCCAGGTAGGCCTGGCTGGCCATGAGCAAGGCCTTTTCCCTGGAGCTGGCCACAC[T>TG]GAGCGACTTCTGCAGAGAGGCGGGCCGGGCTCTGGGTAGCCTCTCTCCCACCGTCAGGTT-3'